The following is an entry in ClinVar:

ClinVar aggregate classification (germline): Uncertain significance. Review status: criteria provided, multiple submitters, no conflicts (2 of 4 stars). 3 submissions from 3 submitters: Uncertain significance (3). Last evaluated 2025-06-27.

Conditions:
Dyskeratosis congenita. Identifiers: Orphanet 1775, MedGen C0265965, MONDO:0015780.
Dyskeratosis congenita, autosomal dominant 2. Identifiers: MedGen C3151443, MONDO:0013521, OMIM 613989.
Idiopathic Pulmonary Fibrosis. Also called: Idiopathic fibrosing alveolitis, chronic form; idiopathic fibrosing alveolitis. Identifiers: Orphanet 2032, MedGen C1800706, MeSH D054990, MONDO:0800504.

Allele frequency attached by ClinVar (database versions not stated): ExAC below 0.00001; TOPMed below 0.00001.

Submissions (3):

Ambry Genetics
Classification: Uncertain significance for Dyskeratosis congenita. Last evaluated: 2025-06-27. Review status: criteria provided, single submitter. Criteria: Ambry Variant Classification Scheme 2023. Collection method: clinical testing. Allele origin: germline.
Comment: The p.E439Q variant (also known as c.1315G>C), located in coding exon 2 of the TERT gene, results from a G to C substitution at nucleotide position 1315. The glutamic acid at codon 439 is replaced by glutamine, an amino acid with highly similar properties. This amino acid position is not well conserved in available vertebrate species. In addition, this alteration is predicted to be tolerated by in silico analysis. Based on the available evidence, the clinical significance of this variant remains unclear.

Labcorp Genetics (formerly Invitae), Labcorp
Classification: Uncertain significance for Dyskeratosis congenita, autosomal dominant 2; Idiopathic Pulmonary Fibrosis. Last evaluated: 2025-05-09. Review status: criteria provided, single submitter. Criteria: Invitae Variant Classification Sherloc (09022015). Collection method: clinical testing. Allele origin: germline.
Comment: This sequence change replaces glutamic acid, which is acidic and polar, with glutamine, which is neutral and polar, at codon 439 of the TERT protein (p.Glu439Gln). This variant is not present in population databases (gnomAD no frequency). This variant has not been reported in the literature in individuals affected with TERT-related conditions. ClinVar contains an entry for this variant (Variation ID: 410684). Invitae Evidence Modeling of protein sequence and biophysical properties (such as structural, functional, and spatial information, amino acid conservation, physicochemical variation, residue mobility, and thermodynamic stability) indicates that this missense variant is not expected to disrupt TERT protein function with a negative predictive value of 95%. In summary, the available evidence is currently insufficient to determine the role of this variant in disease. Therefore, it has been classified as a Variant of Uncertain Significance.

Baylor Genetics
Classification: Uncertain significance for Dyskeratosis congenita, autosomal dominant 2. Last evaluated: 2023-10-27. Review status: criteria provided, single submitter. Criteria: ACMG Guidelines, 2015. Collection method: clinical testing. Allele origin: unknown.

NM_198253.3(TERT):c.1315G>C (p.Glu439Gln)

Gene: TERT (telomerase reverse transcriptase; minus strand). Cytogenetic location: 5p15.33.
Variant type: single nucleotide variant.
Coding change: c.1315G>C on transcript NM_198253.3 (MANE Select); coding-DNA position 1315, G replaced by C.
Protein change: p.Glu439Gln; replaces glutamic acid 439 with glutamine.
Molecular consequence: missense variant. On other transcripts: non-coding transcript variant (2).
Genome position (GRCh38, 1-based): chr5:1,293,571, C>G on the plus strand (G>C on the coding strand, the complement: TERT is on the minus strand). VCF-style: chr5-1293571-C-G. GRCh37 (hg19) VCF-style: chr5-1293686-C-G.
Other names: c.1315G>C, p.Glu439Gln (NM_001193376.3); short protein forms E439Q.
Identifiers: ClinVar variation 410684 (VCV000410684.12), dbSNP rs747463378, ClinGen allele CA3184859.